The following is an entry in ClinVar:

NM_001349206.2(LPIN1):c.2320C>T (p.His774Tyr)

Gene: LPIN1 (lipin 1; plus strand). Cytogenetic location: 2p25.1.
Variant type: single nucleotide variant.
Coding change: c.2320C>T on transcript NM_001349206.2 (MANE Select); coding-DNA position 2320, C replaced by T.
Protein change: p.His774Tyr; replaces histidine 774 with tyrosine.
Molecular consequence: missense variant. On other transcripts: non-coding transcript variant (1).
Genome position (GRCh38, 1-based): chr2:11,815,158, C>T. VCF-style: chr2-11815158-C-T. GRCh37 (hg19) VCF-style: chr2-11955284-C-T.
Other names: c.2230C>T, p.His744Tyr (NM_001261427.3); c.2467C>T, p.His823Tyr (NM_001261428.3); c.2212C>T, p.His738Tyr (NM_001349199.2, NM_145693.4); c.2290C>T, p.His764Tyr (NM_001349200.2, NM_001349201.2); c.2317C>T, p.His773Tyr (NM_001349202.2, NM_001349203.2); c.2320C>T, p.His774Tyr (NM_001349204.2, NM_001349205.2); c.2410C>T, p.His804Tyr (NM_001349207.2); c.2359C>T, p.His787Tyr (NM_001349208.2); short protein forms H738Y, H773Y, H744Y, H774Y, H764Y, H787Y, H804Y, H823Y.
Identifiers: ClinVar variation 392102 (VCV000392102.6), dbSNP rs752211549, ClinGen allele CA1534069.

ClinVar aggregate classification (germline): Uncertain significance. Review status: criteria provided, multiple submitters, no conflicts (2 of 4 stars). 4 submissions from 4 submitters: Uncertain significance (4). Last evaluated 2024-02-07.

Conditions:
Myoglobinuria, acute recurrent, autosomal recessive. Also called: MYOGLOBINURIA, FAMILIAL PAROXYSMAL PARALYTIC; Myoglobinuria, recurrent, autosomal recessive; RHABDOMYOLYSIS, ACUTE RECURRENT. Identifiers: Orphanet 99845, MedGen C1849386, MONDO:0009992, OMIM 268200.

Allele frequency attached by ClinVar (database versions not stated): gnomAD exomes 0.00001 and 0.00004; ExAC 0.00003; gnomAD 0.00011; TOPMed 0.00015.
gnomAD v4.1: 30 of 1,614,114 alleles (0.0019%); highest among the groups gnomAD compares: African/African-American, 0.031%; no homozygotes.

Submissions (4):

Fulgent Genetics
Classification: Uncertain significance for Myoglobinuria, acute recurrent, autosomal recessive. Last evaluated: 2024-02-07. Review status: criteria provided, single submitter. Criteria: ACMG Guidelines, 2015. Collection method: clinical testing. Allele origin: germline.

Labcorp Genetics (formerly Invitae), Labcorp
Classification: Uncertain significance. Last evaluated: 2022-03-24. Review status: criteria provided, single submitter. Criteria: Invitae Variant Classification Sherloc (09022015). Collection method: clinical testing. Allele origin: germline.
Comment: This sequence change replaces histidine, which is basic and polar, with tyrosine, which is neutral and polar, at codon 738 of the LPIN1 protein (p.His738Tyr). In summary, the available evidence is currently insufficient to determine the role of this variant in disease. Therefore, it has been classified as a Variant of Uncertain Significance. Algorithms developed to predict the effect of missense changes on protein structure and function are either unavailable or do not agree on the potential impact of this missense change (SIFT: "Tolerated"; PolyPhen-2: "Probably Damaging"; Align-GVGD: "Class C0"). ClinVar contains an entry for this variant (Variation ID: 392102). This variant has not been reported in the literature in individuals affected with LPIN1-related conditions. This variant is present in population databases (rs752211549, gnomAD 0.04%).

GeneDx
Classification: Uncertain significance. Last evaluated: 2017-01-05. Review status: criteria provided, single submitter. Criteria: GeneDx Variant Classification (06012015). Collection method: clinical testing. Allele origin: germline. Affected: yes.
Comment: The H738Y variant in the LPIN1 gene has not been reported previously as a pathogenic variant, nor as a benign variant, to our knowledge. The H738Y variant was not observed in approximately 6,500 individuals of European and African American ancestry in the NHLBI Exome Sequencing Project, indicating it is not a common benign variant in these populations. The H738Y variant is a non-conservative amino acid substitution, which is likely to impact secondary protein structure as these residues differ in polarity, charge, size and/or other properties. This substitution occurs at a position that is conserved across species. In silico analysis predicts this variant is probably damaging to the protein structure/function. We interpret H738Y as a variant of uncertain significance.

Breakthrough Genomics
Classification: Uncertain significance. Review status: criteria provided, single submitter. Criteria: ACMG Guidelines, 2015. Collection method: not provided. Allele origin: germline. Inheritance: Autosomal recessive inheritance. Affected: yes.